The following is an entry in ClinVar:

ClinVar aggregate classification (germline): Uncertain significance (1 of 4 stars; one submission).

Submission:

Labcorp Genetics (formerly Invitae), Labcorp
Classification: Uncertain significance. Last evaluated: 2023-07-16. Review status: criteria provided, single submitter. Criteria: Invitae Variant Classification Sherloc (09022015). Collection method: clinical testing. Allele origin: germline.
Comment: In summary, the available evidence is currently insufficient to determine the role of this variant in disease. Therefore, it has been classified as a Variant of Uncertain Significance. An algorithm developed to predict the effect of missense changes on protein structure and function (PolyPhen-2) suggests that this variant is likely to be tolerated. This variant has not been reported in the literature in individuals affected with RIMS1-related conditions. This variant is not present in population databases (gnomAD no frequency). This sequence change replaces phenylalanine, which is neutral and non-polar, with leucine, which is neutral and non-polar, at codon 1108 of the RIMS1 protein (p.Phe1108Leu).

NM_014989.7(RIMS1):c.3322T>C (p.Phe1108Leu)

Gene: RIMS1 (regulating synaptic membrane exocytosis 1; plus strand). Cytogenetic location: 6q13.
Variant type: single nucleotide variant.
Coding change: c.3322T>C on transcript NM_014989.7 (MANE Select); coding-DNA position 3322, T replaced by C.
Protein change: p.Phe1108Leu; replaces phenylalanine 1108 with leucine.
Molecular consequence: missense variant. On other transcripts: intron variant (17).
Genome position (GRCh38, 1-based): chr6:72,265,973, T>C. VCF-style: chr6-72265973-T-C. GRCh37 (hg19) VCF-style: chr6-72975676-T-C.
Other names: c.1549T>C, p.Phe517Leu (NM_001350438.2, NM_001168407.2, NM_001350415.2 and 7 more transcripts); c.1552T>C, p.Phe518Leu (NM_001350439.2, NM_001168408.2, NM_001350414.2 and 8 more transcripts); c.1472+6862T>C (NM_001350447.2, NM_001350440.2, NM_001350444.2 and 2 more transcripts); c.1229+6862T>C (NM_001350468.2); c.1466+5206T>C (NM_001350471.2); c.1430+6862T>C (NM_001350474.2); c.1232+6862T>C (NM_001350467.2); c.1630T>C, p.Phe544Leu (NM_001350458.2); and 14 more; short protein forms F437L, F494L, F495L, F581L, F1108L, F529L, F497L, F518L.
Identifiers: ClinVar variation 2743884 (VCV002743884.3), dbSNP rs2552143996, ClinGen allele CA364686200.
Genomic context (GRCh38, chr6:72,265,973, plus strand): 5'-TTCTCTGTCTTTCTCTTCTACCACTGGATGCAATGCACTGGCACTAGTGAACTGCAGCCC[T>C]TTCTTGACAGGGCTAGGAGTGCTAGTACCAACTGCTTGAGACCAGATACTAGTTTGCATT-3'
Protein context (NP_055804.2, residues 1098-1118): DEILVSELQP[Phe1108Leu]LDRARSASTN